The following is an entry in ClinVar:

ClinVar aggregate classification (germline): Uncertain significance (1 of 4 stars; one submission).

Conditions:
Hereditary cancer-predisposing syndrome. Also called: Neoplastic Syndromes, Hereditary; Tumor predisposition; Hereditary Cancer Syndrome; Hereditary neoplastic syndrome. Identifiers: Orphanet 140162, MedGen C0027672, MeSH D009386, MONDO:0015356.

Submission:

Ambry Genetics
Classification: Uncertain significance for Hereditary cancer-predisposing syndrome. Last evaluated: 2025-10-23. Review status: criteria provided, single submitter. Criteria: Ambry Variant Classification Scheme 2023. Collection method: clinical testing. Allele origin: germline.
Comment: The p.F11S variant (also known as c.32T>C), located in coding exon 1 of the MSH6 gene, results from a T to C substitution at nucleotide position 32. The phenylalanine at codon 11 is replaced by serine, an amino acid with highly dissimilar properties. This amino acid position is highly conserved in available vertebrate species. In addition, the in silico prediction for this alteration is inconclusive. Since supporting evidence is limited at this time, the clinical significance of this alteration remains unclear.

NM_000179.3(MSH6):c.32T>C (p.Phe11Ser)

Gene: MSH6 (mutS homolog 6; plus strand). Cytogenetic location: 2p16.3.
Variant type: single nucleotide variant.
Coding change: c.32T>C on transcript NM_000179.3 (MANE Select); coding-DNA position 32, T replaced by C.
Protein change: p.Phe11Ser; replaces phenylalanine 11 with serine.
Molecular consequence: missense variant. On other transcripts: 5 prime UTR variant (1).
Genome position (GRCh38, 1-based): chr2:47,783,265, T>C. VCF-style: chr2-47783265-T-C. GRCh37 (hg19) VCF-style: chr2-48010404-T-C.
Other names: c.32T>C, p.Phe11Ser (NM_001281492.2, NM_001406795.1, NM_001406796.1 and 9 more transcripts); c.-705T>C (NM_001281493.2, NM_001406811.1); c.-297T>C (NM_001406799.1); c.-24T>C (NM_001406804.1); c.-897T>C (NM_001406807.1); c.-552T>C (NM_001406812.1); c.-963T>C (NM_001406814.1); c.-508T>C (NM_001406816.1); short protein forms F11S.
Identifiers: ClinVar variation 1729966 (VCV001729966.3), dbSNP rs2103932194, ClinGen allele CA346734521.